The following is an entry in ClinVar:

NM_000426.4(LAMA2):c.281A>G (p.Asn94Ser)

Gene: LAMA2 (laminin subunit alpha 2; plus strand). Cytogenetic location: 6q22.33.
Variant type: single nucleotide variant.
Coding change: c.281A>G on transcript NM_000426.4 (MANE Select); coding-DNA position 281, A replaced by G.
Protein change: p.Asn94Ser; replaces asparagine 94 with serine.
Molecular consequence: missense variant.
Genome position (GRCh38, 1-based): chr6:129,050,086, A>G. VCF-style: chr6-129050086-A-G. GRCh37 (hg19) VCF-style: chr6-129371231-A-G.
Other names: c.281A>G, p.Asn94Ser (NM_001079823.2); short protein forms N94S.
Identifiers: ClinVar variation 660375 (VCV000660375.10), dbSNP rs758713214, ClinGen allele CA3992261.

ClinVar aggregate classification (germline): Uncertain significance. Review status: criteria provided, multiple submitters, no conflicts (2 of 4 stars). 4 submissions from 4 submitters: Uncertain significance (4). Last evaluated 2025-07-14.

Conditions:
Inborn genetic diseases. Identifiers: MedGen C0950123, MeSH D030342.
LAMA2-related muscular dystrophy (LAMA2-RD). Also called: Laminin alpha 2-related dystrophy. Identifiers: MedGen C5679788, MONDO:0100228.

Allele frequency attached by ClinVar (database versions not stated): gnomAD 0.00001; gnomAD exomes 0.00002 and 0.00006; TOPMed 0.00003; ExAC 0.00004.

Submissions (4):

Ambry Genetics
Classification: Uncertain significance for Inborn genetic diseases. Last evaluated: 2025-07-14. Review status: criteria provided, single submitter. Criteria: Ambry Variant Classification Scheme 2023. Collection method: clinical testing. Allele origin: germline.

Labcorp Genetics (formerly Invitae), Labcorp
Classification: Uncertain significance for LAMA2-related muscular dystrophy. Last evaluated: 2024-09-23. Review status: criteria provided, single submitter. Criteria: Invitae Variant Classification Sherloc (09022015). Collection method: clinical testing. Allele origin: germline.
Comment: This sequence change replaces asparagine, which is neutral and polar, with serine, which is neutral and polar, at codon 94 of the LAMA2 protein (p.Asn94Ser). This variant is present in population databases (rs758713214, gnomAD 0.004%). This variant has not been reported in the literature in individuals affected with LAMA2-related conditions. ClinVar contains an entry for this variant (Variation ID: 660375). An algorithm developed to predict the effect of missense changes on protein structure and function outputs the following: PolyPhen-2: "Benign". The serine amino acid residue is found in multiple mammalian species, which suggests that this missense change does not adversely affect protein function. In summary, the available evidence is currently insufficient to determine the role of this variant in disease. Therefore, it has been classified as a Variant of Uncertain Significance.

Blueprint Genetics
Classification: Uncertain significance. Last evaluated: 2024-07-29. Review status: criteria provided, single submitter. Criteria: ACMG Guidelines, 2015. Collection method: clinical testing. Allele origin: germline.

Revvity Omics, Revvity
Classification: Uncertain significance. Last evaluated: 2019-07-09. Review status: criteria provided, single submitter. Criteria: ACMG Guidelines, 2015. Collection method: clinical testing. Allele origin: germline.